The following is an entry in ClinVar:

ClinVar aggregate classification (germline): Uncertain significance (1 of 4 stars; one submission).

Conditions:
Cardiomyopathy (CMYO). Also called: Cardiomyopathies. Identifiers: Orphanet 167848, MedGen C0878544, MONDO:0004994, HP:0001638. Inheritance: Various modes of inheritance.

Submission:

Color Diagnostics, LLC DBA Color Health
Classification: Uncertain significance for Cardiomyopathy. Last evaluated: 2024-03-07. Review status: criteria provided, single submitter. Criteria: ACMG Guidelines, 2015. Collection method: clinical testing. Allele origin: germline.
Comment: This missense variant replaces histidine with tyrosine at codon 2383 of the RYR2 protein. Computational prediction suggests that this variant may have deleterious impact on protein structure and function (internally defined REVEL score threshold >= 0.7, PMID: 27666373). To our knowledge, functional studies have not been reported for this variant. This variant has not been reported in individuals affected with cardiovascular disorders in the literature. This variant has not been identified in the general population by the Genome Aggregation Database (gnomAD). The available evidence is insufficient to determine the role of this variant in disease conclusively. Therefore, this variant is classified as a Variant of Uncertain Significance.

NM_001035.3(RYR2):c.7147C>T (p.His2383Tyr)

Gene: RYR2 (ryanodine receptor 2; plus strand). Cytogenetic location: 1q43.
Variant type: single nucleotide variant.
Coding change: c.7147C>T on transcript NM_001035.3 (MANE Select); coding-DNA position 7147, C replaced by T.
Protein change: p.His2383Tyr; replaces histidine 2383 with tyrosine.
Molecular consequence: missense variant.
Genome position (GRCh38, 1-based): chr1:237,640,928, C>T. VCF-style: chr1-237640928-C-T. GRCh37 (hg19) VCF-style: chr1-237804228-C-T.
Other names: short protein forms H2383Y.
Identifiers: ClinVar variation 1332566 (VCV001332566.3), dbSNP rs2148738458, ClinGen allele CA345396621.